The following is an entry in ClinVar:

NM_130839.5(UBE3A):c.67C>T (p.Arg23Ter)

Genes: SNHG14 (small nucleolar RNA host gene 14; plus strand), UBE3A (ubiquitin protein ligase E3A; minus strand). Cytogenetic location: 15q11.2.
Variant type: single nucleotide variant.
Coding change: c.67C>T on transcript NM_130839.5 (MANE Select); coding-DNA position 67, C replaced by T.
Protein change: p.Arg23Ter; replaces arginine 23 with a stop codon.
Molecular consequence: nonsense. On other transcripts: 5 prime UTR variant (1), non-coding transcript variant (1).
Genome position (GRCh38, 1-based): chr15:25,375,759, G>A on the plus strand (C>T on the coding strand, the complement: UBE3A is on the minus strand). VCF-style: chr15-25375759-G-A. GRCh37 (hg19) VCF-style: chr15-25620906-G-A.
Other names: c.76C>T, p.Arg26Ter (NM_000462.5); c.67C>T, p.Arg23Ter (NM_001354505.1, NM_001354538.2, NM_001354545.2 and 1 more transcripts); c.7C>T, p.Arg3Ter (NM_001354506.2, NM_001354507.2, NM_001354508.2 and 18 more transcripts); c.-111C>T (NM_001354546.2); short protein forms R3*, R23*, R26*.
Identifiers: ClinVar variation 452836 (VCV000452836.4), dbSNP rs1490279918, ClinGen allele CA391356714.

ClinVar aggregate classification (germline): Pathogenic. Review status: criteria provided, multiple submitters, no conflicts (2 of 4 stars). 3 submissions from 3 submitters: Pathogenic (3). Last evaluated 2025-09-21.

Conditions:
Angelman syndrome (AS). Also called: HAPPY PUPPET SYNDROME. Identifiers: Orphanet 72, MedGen C0162635, MONDO:0007113, OMIM 105830. Disease mechanism: loss of function. Inheritance: AS is caused by disruption of maternally imprinted UBE3A located within the 15q11.2-q13 Angelman syndrome/Prader-Willi syndrome (AS/PWS) region., imprinting disorder.

Submissions (3):

Labcorp Genetics (formerly Invitae), Labcorp
Classification: Pathogenic for Angelman syndrome. Last evaluated: 2025-09-21. Review status: criteria provided, single submitter. Criteria: Invitae Variant Classification Sherloc (09022015). Collection method: clinical testing. Allele origin: germline.
Comment: This sequence change creates a premature translational stop signal (p.Arg3*) in the UBE3A gene. It is expected to result in an absent or disrupted protein product. Loss-of-function variants in UBE3A are known to be pathogenic (PMID: 25212744). This variant is not present in population databases (gnomAD no frequency). This variant has not been reported in the literature in individuals affected with UBE3A-related conditions. ClinVar contains an entry for this variant (Variation ID: 452836). For these reasons, this variant has been classified as Pathogenic.

Mendelics
Classification: Pathogenic for Angelman syndrome. Last evaluated: 2022-05-04. Review status: criteria provided, single submitter. Criteria: Mendelics Assertion Criteria 2019. Collection method: clinical testing. Allele origin: germline.

GeneDx
Classification: Pathogenic. Last evaluated: 2017-10-23. Review status: criteria provided, single submitter. Criteria: GeneDx Variant Classification (06012015). Collection method: clinical testing. Allele origin: germline. Affected: yes.
Comment: The R3X nonsense variant in the UBE3A gene is predicted to cause loss of normal protein function either through protein truncation or nonsense-mediated mRNA decay. The R3X variant is not observed in large population cohorts (Lek et al., 2016).

Literature cited by the submitters: PubMed 25212744 (cited by Labcorp Genetics (formerly Invitae), Labcorp).